The following is an entry in ClinVar:

NM_006734.4(HIVEP2):c.143C>G (p.Pro48Arg)

Gene: HIVEP2 (HIVEP zinc finger 2; minus strand). Cytogenetic location: 6q24.2.
Variant type: single nucleotide variant.
Coding change: c.143C>G on transcript NM_006734.4 (MANE Select); coding-DNA position 143, C replaced by G.
Protein change: p.Pro48Arg; replaces proline 48 with arginine.
Molecular consequence: missense variant.
Genome position (GRCh38, 1-based): chr6:142,774,596, G>C on the plus strand (C>G on the coding strand, the complement: HIVEP2 is on the minus strand). VCF-style: chr6-142774596-G-C. GRCh37 (hg19) VCF-style: chr6-143095733-G-C.
Other names: short protein forms P48R.
Identifiers: ClinVar variation 2011957 (VCV002011957.4), dbSNP rs2482859325, ClinGen allele CA365916694.

ClinVar aggregate classification (germline): Uncertain significance (1 of 4 stars; one submission).

Submission:

Labcorp Genetics (formerly Invitae), Labcorp
Classification: Uncertain significance. Last evaluated: 2022-06-28. Review status: criteria provided, single submitter. Criteria: Invitae Variant Classification Sherloc (09022015). Collection method: clinical testing. Allele origin: germline.
Comment: This variant has not been reported in the literature in individuals affected with HIVEP2-related conditions. This sequence change replaces proline, which is neutral and non-polar, with arginine, which is basic and polar, at codon 48 of the HIVEP2 protein (p.Pro48Arg). This variant is not present in population databases (gnomAD no frequency). Algorithms developed to predict the effect of missense changes on protein structure and function are either unavailable or do not agree on the potential impact of this missense change (SIFT: "Deleterious"; PolyPhen-2: "Benign"; Align-GVGD: "Class C0"). In summary, the available evidence is currently insufficient to determine the role of this variant in disease. Therefore, it has been classified as a Variant of Uncertain Significance.